The following is an entry in ClinVar:

NM_001081.4(CUBN):c.5056G>A (p.Gly1686Ser)

Gene: CUBN (cubilin; minus strand). Cytogenetic location: 10p13.
Variant type: single nucleotide variant.
Coding change: c.5056G>A on transcript NM_001081.4 (MANE Select); coding-DNA position 5056, G replaced by A.
Protein change: p.Gly1686Ser; replaces glycine 1686 with serine.
Molecular consequence: missense variant.
Genome position (GRCh38, 1-based): chr10:16,950,025, C>T on the plus strand (G>A on the coding strand, the complement: CUBN is on the minus strand). VCF-style: chr10-16950025-C-T. GRCh37 (hg19) VCF-style: chr10-16992024-C-T.
Other names: short protein forms G1686S.
Identifiers: ClinVar variation 2640327 (VCV002640327.24), dbSNP rs775638328, ClinGen allele CA5424163.

ClinVar aggregate classification (germline): Conflicting classifications of pathogenicity. Review status: criteria provided, conflicting classifications (1 of 4 stars). 2 submissions from 2 submitters: Uncertain significance (1); Likely benign (1). Last evaluated 2025-09-25.

Conditions:
Inborn genetic diseases. Identifiers: MedGen C0950123, MeSH D030342.

Allele frequency attached by ClinVar (database versions not stated): gnomAD 0.00007; TOPMed 0.00007; ExAC 0.00009; gnomAD exomes 0.00015.
gnomAD v4.1: 232 of 1,613,694 alleles (0.014%); highest among the groups gnomAD compares: Non-Finnish European, 0.019%; no homozygotes.

Submissions (2):

Ambry Genetics
Classification: Likely benign for Inborn genetic diseases. Last evaluated: 2025-09-25. Review status: criteria provided, single submitter. Criteria: Ambry Variant Classification Scheme 2023. Collection method: clinical testing. Allele origin: germline.

CeGaT Center for Human Genetics Tuebingen
Classification: Uncertain significance. Last evaluated: 2022-03-01. Review status: criteria provided, single submitter. Criteria: CeGaT Center For Human Genetics Tuebingen Variant Classification Criteria Version 2. Collection method: clinical testing. Allele origin: germline. Affected: yes. Observed: 1 variant allele.
Comment: CUBN: PM2, BP4